The following is an entry in ClinVar:

NM_000278.5(PAX2):c.250G>A (p.Gly84Ser)

Gene: PAX2 (paired box 2; plus strand). Cytogenetic location: 10q24.31.
Variant type: single nucleotide variant.
Coding change: c.250G>A on transcript NM_000278.5 (MANE Select); coding-DNA position 250, G replaced by A.
Protein change: p.Gly84Ser; replaces glycine 84 with serine.
Molecular consequence: missense variant.
Genome position (GRCh38, 1-based): chr10:100,750,731, G>A. VCF-style: chr10-100750731-G-A. GRCh37 (hg19) VCF-style: chr10-102510488-G-A.
Other names: c.250G>A (NM_003990.4, NM_003990.3); c.343G>A, p.Gly115Ser (NM_001304569.2); c.250G>A, p.Gly84Ser (NM_003987.5, NM_003988.5, NM_003989.5 and 1 more transcripts); short protein forms G115S, G84S.
Identifiers: ClinVar variation 1072593 (VCV001072593.13), dbSNP rs2133836340, ClinGen allele CA378257862.

ClinVar aggregate classification (germline): Pathogenic/Likely pathogenic. Review status: criteria provided, multiple submitters, no conflicts (2 of 4 stars). 5 submissions from 5 submitters: Pathogenic (3); Likely pathogenic (2). Last evaluated 2025-07-20.

Conditions:
Renal coloboma syndrome (PAPRS). Also called: PAPILLORENAL SYNDROME; COLOBOMA OF OPTIC NERVE WITH RENAL DISEASE; OPTIC COLOBOMA, VESICOURETERAL REFLUX, AND RENAL ANOMALIES; OPTIC NERVE COLOBOMA WITH RENAL DISEASE; RENAL-COLOBOMA SYNDROME WITH MACULAR ABNORMALITIES; PAPILLORENAL SYNDROME WITH MILD OCULAR ABNORMALITIES. Identifiers: Orphanet 1475, MedGen C1852759, MONDO:0007352, OMIM 120330.
Focal segmental glomerulosclerosis 7 (FSGS7). Identifiers: Orphanet 656, MedGen C4014925, MONDO:0014451, OMIM 616002.
PAX2-Related Disorder. Also called: PAX2-related disorders. Identifiers: MedGen CN381309.

Submissions (5):

Labcorp Genetics (formerly Invitae), Labcorp
Classification: Pathogenic for Renal coloboma syndrome; Focal segmental glomerulosclerosis 7. Last evaluated: 2025-07-20. Review status: criteria provided, single submitter. Criteria: Invitae Variant Classification Sherloc (09022015). Collection method: clinical testing. Allele origin: germline.
Comment: This sequence change replaces glycine, which is neutral and non-polar, with serine, which is neutral and polar, at codon 84 of the PAX2 protein (p.Gly84Ser). This variant is not present in population databases (gnomAD no frequency). This missense change has been observed in individual(s) with clinical features of papillorenal syndrome (PMID: 22213154). It has also been observed to segregate with disease in related individuals. ClinVar contains an entry for this variant (Variation ID: 1072593). An algorithm developed to predict the effect of missense changes on protein structure and function (PolyPhen-2) suggests that this variant is likely to be disruptive. For these reasons, this variant has been classified as Pathogenic.

PreventionGenetics, part of Exact Sciences
Classification: Pathogenic for PAX2-related condition. Last evaluated: 2025-05-30. Review status: criteria provided, single submitter. Criteria: ACMG Guidelines, 2015. Collection method: clinical testing. Allele origin: germline.
Comment: The PAX2 c.250G>A variant is predicted to result in the amino acid substitution p.Gly84Ser. This variant has been reported in individuals with PAX2-related disorders (Bower et al. 2012. PubMed ID: 22213154; Kalmár et al. 2023. PubMed ID: 38139322). In addition, we have also found this variant in individuals with PAX2-related disorders at PreventionGenetics (internal data). This variant has not been reported in a large population database (gnomAD), indicating this variant is rare. This variant is interpreted as pathogenic.

GeneDx
Classification: Likely pathogenic. Last evaluated: 2024-06-20. Review status: criteria provided, single submitter. Criteria: GeneDx Variant Classification Process June 2021. Collection method: clinical testing. Allele origin: germline. Affected: yes.
Comment: Not observed at significant frequency in large population cohorts (gnomAD); In silico analysis supports that this missense variant has a deleterious effect on protein structure/function; This variant is associated with the following publications: (PMID: 22213154, 38139322)

Blueprint Genetics
Classification: Likely pathogenic for PAX2-related disorders. Last evaluated: 2023-08-23. Review status: criteria provided, single submitter. Criteria: ACMG Guidelines, 2015. Collection method: clinical testing. Allele origin: germline. Affected: yes. Observed: 5 variant alleles.

Fulgent Genetics
Classification: Pathogenic for Renal coloboma syndrome; Focal segmental glomerulosclerosis 7. Last evaluated: 2021-12-09. Review status: criteria provided, single submitter. Criteria: ACMG Guidelines, 2015. Collection method: clinical testing. Allele origin: unknown.

Literature cited by the submitters: PubMed 22213154 (cited by Labcorp Genetics (formerly Invitae), Labcorp).